The following is an entry in ClinVar:

ClinVar aggregate classification (germline): Uncertain significance (1 of 4 stars; one submission).

Conditions:
Kabuki syndrome. Also called: NIIKAWA-KUROKI SYNDROME; Kabuki make-up syndrome. Identifiers: Orphanet 2322, MedGen C0796004, MONDO:0016512.

Allele frequency attached by ClinVar (database versions not stated): gnomAD exomes below 0.00001; TOPMed below 0.00001.
gnomAD v4.1: 1 of 1,613,948 alleles (0.000062%); highest among the groups gnomAD compares: Non-Finnish European, 0.000085%; no homozygotes.

Submission:

Labcorp Genetics (formerly Invitae), Labcorp
Classification: Uncertain significance for Kabuki syndrome. Last evaluated: 2021-03-26. Review status: criteria provided, single submitter. Criteria: Invitae Variant Classification Sherloc (09022015). Collection method: clinical testing. Allele origin: germline.
Comment: This sequence change replaces proline with leucine at codon 4711 of the KMT2D protein (p.Pro4711Leu). The proline residue is highly conserved and there is a moderate physicochemical difference between proline and leucine. This variant is not present in population databases (ExAC no frequency). This variant has not been reported in the literature in individuals with KMT2D-related conditions. Advanced modeling of protein sequence and biophysical properties (such as structural, functional, and spatial information, amino acid conservation, physicochemical variation, residue mobility, and thermodynamic stability) performed at Invitae indicates that this missense variant is expected to disrupt KMT2D protein function. In summary, the available evidence is currently insufficient to determine the role of this variant in disease. Therefore, it has been classified as a Variant of Uncertain Significance.

NM_003482.4(KMT2D):c.14132C>T (p.Pro4711Leu)

Gene: KMT2D (lysine methyltransferase 2D; minus strand). Cytogenetic location: 12q13.12.
Variant type: single nucleotide variant.
Coding change: c.14132C>T on transcript NM_003482.4 (MANE Select); coding-DNA position 14132, C replaced by T.
Protein change: p.Pro4711Leu; replaces proline 4711 with leucine.
Molecular consequence: missense variant.
Genome position (GRCh38, 1-based): chr12:49,029,180, G>A on the plus strand (C>T on the coding strand, the complement: KMT2D is on the minus strand). VCF-style: chr12-49029180-G-A. GRCh37 (hg19) VCF-style: chr12-49422963-G-A.
Other names: short protein forms P4711L.
Identifiers: ClinVar variation 1348813 (VCV001348813.8), dbSNP rs1942760966, ClinGen allele CA384697485.